The following is an entry in ClinVar:

ClinVar aggregate classification (germline): Likely benign. Review status: criteria provided, multiple submitters, no conflicts (2 of 4 stars). 4 submissions from 4 submitters: Likely benign (3). 1 of the submissions does not count toward it. Last evaluated 2025-12-13.

Conditions:
SBF1-related disorder. Also called: SBF1-related condition.

Allele frequency attached by ClinVar (database versions not stated): TOPMed 0.00027; ExAC 0.00028; gnomAD exomes 0.00029 and 0.00031; gnomAD 0.00031 and 0.00032; 1000 Genomes Project 0.00040; ESP Exome Variant Server 0.00041; 1000 Genomes Project 30x 0.00047.
gnomAD v4.1: 505 of 1,611,620 alleles (0.031%); highest among the groups gnomAD compares: Middle Eastern, 0.066%; no homozygotes.

Submissions (4):

Labcorp Genetics (formerly Invitae), Labcorp
Classification: Likely benign. Last evaluated: 2025-12-13. Review status: criteria provided, single submitter. Criteria: Invitae Variant Classification Sherloc (09022015). Collection method: clinical testing. Allele origin: germline.

CeGaT Center for Human Genetics Tuebingen
Classification: Likely benign. Last evaluated: 2024-11-01. Review status: criteria provided, single submitter. Criteria: CeGaT Center For Human Genetics Tuebingen Variant Classification Criteria Version 2. Collection method: clinical testing. Allele origin: germline. Affected: yes. Observed: 2 variant alleles.
Comment: SBF1: BP4, BP7

Blueprint Genetics
Classification: Likely benign. Last evaluated: 2024-07-10. Review status: criteria provided, single submitter. Criteria: ACMG Guidelines, 2015. Collection method: clinical testing. Allele origin: germline.

PreventionGenetics, part of Exact Sciences
Classification: Likely benign for SBF1-related condition. Last evaluated: 2019-12-18. Review status: no assertion criteria provided. Collection method: clinical testing. Allele origin: germline. Not counted in ClinVar's aggregate classification.
Comment: This variant is classified as likely benign based on ACMG/AMP sequence variant interpretation guidelines (Richards et al. 2015 PMID: 25741868, with internal and published modifications).

NM_002972.4(SBF1):c.4977C>T (p.Arg1659=)

Gene: SBF1 (SET binding factor 1; minus strand). Cytogenetic location: 22q13.33.
Variant type: single nucleotide variant.
Coding change: c.4977C>T on transcript NM_002972.4 (MANE Select); coding-DNA position 4977, C replaced by T.
Protein change: p.Arg1659=; no amino-acid change (arginine 1659 retained).
Molecular consequence: synonymous variant.
Genome position (GRCh38, 1-based): chr22:50,454,578, G>A on the plus strand (C>T on the coding strand, the complement: SBF1 is on the minus strand). VCF-style: chr22-50454578-G-A. GRCh37 (hg19) VCF-style: chr22-50893007-G-A.
Other names: c.4902C>T, p.Arg1634= (NM_001365819.1).
Identifiers: ClinVar variation 777314 (VCV000777314.45), dbSNP rs190945041, ClinGen allele CA10316060.